The following is an entry in ClinVar:

NM_019066.5(MAGEL2):c.2957G>A (p.Gly986Glu)

Gene: MAGEL2 (MAGE family member L2; minus strand). Cytogenetic location: 15q11.2.
Variant type: single nucleotide variant.
Coding change: c.2957G>A on transcript NM_019066.5 (MANE Select); coding-DNA position 2957, G replaced by A.
Protein change: p.Gly986Glu; replaces glycine 986 with glutamic acid.
Molecular consequence: missense variant.
Genome position (GRCh38, 1-based): chr15:23,644,786, C>T on the plus strand (G>A on the coding strand, the complement: MAGEL2 is on the minus strand). VCF-style: chr15-23644786-C-T. GRCh37 (hg19) VCF-style: chr15-23889933-C-T.
Other names: short protein forms G986E.
Identifiers: ClinVar variation 3349402 (VCV003349402.1).

ClinVar aggregate classification (germline): Uncertain significance (0 of 4 stars; one submission).

Conditions:
MAGEL2-related disorder. Also called: MAGEL2-related condition.

Submission:

PreventionGenetics, part of Exact Sciences
Classification: Uncertain significance for MAGEL2-related condition. Last evaluated: 2023-11-30. Review status: no assertion criteria provided. Collection method: clinical testing. Allele origin: germline.
Comment: The MAGEL2 c.2957G>A variant is predicted to result in the amino acid substitution p.Gly986Glu. To our knowledge, this variant has not been reported in the literature or in a large population database, indicating this variant is rare. At this time, the clinical significance of this variant is uncertain due to the absence of conclusive functional and genetic evidence.